The following is an entry in ClinVar:

ClinVar aggregate classification (germline): Uncertain significance. Review status: criteria provided, multiple submitters, no conflicts (2 of 4 stars). 2 submissions from 2 submitters: Uncertain significance (2). Last evaluated 2025-07-12.

Conditions:
Inborn genetic diseases. Identifiers: MedGen C0950123, MeSH D030342.
Pulmonary fibrosis and/or bone marrow failure, Telomere-related, 3. Also called: PULMONARY FIBROSIS AND/OR BONE MARROW FAILURE SYNDROME, TELOMERE-RELATED, 3. Identifiers: Orphanet 2032, MedGen C4225346, MONDO:0014613, OMIM 616373.
Dyskeratosis congenita, autosomal recessive 5 (DKCB5). Identifiers: MedGen C3554656, MONDO:0014076, OMIM 615190.

gnomAD v4.1: 17 of 1,610,996 alleles (0.0011%); highest among the groups gnomAD compares: South Asian, 0.019%; no homozygotes.

Submissions (2):

Ambry Genetics
Classification: Uncertain significance for Inborn genetic diseases. Last evaluated: 2025-07-12. Review status: criteria provided, single submitter. Criteria: Ambry Variant Classification Scheme 2023. Collection method: clinical testing. Allele origin: germline.
Comment: The p.V609I variant (also known as c.1825G>A), located in coding exon 21 of the RTEL1 gene, results from a G to A substitution at nucleotide position 1825. The valine at codon 609 is replaced by isoleucine, an amino acid with highly similar properties. This amino acid position is conserved. In addition, this alteration is predicted to be tolerated by in silico analysis. Based on the available evidence, the clinical significance of this variant remains unclear.

Labcorp Genetics (formerly Invitae), Labcorp
Classification: Uncertain significance for Dyskeratosis congenita, autosomal recessive 5; Pulmonary fibrosis and/or bone marrow failure, Telomere-related, 3. Last evaluated: 2025-05-11. Review status: criteria provided, single submitter. Criteria: Invitae Variant Classification Sherloc (09022015). Collection method: clinical testing. Allele origin: germline.
Comment: This sequence change replaces valine, which is neutral and non-polar, with isoleucine, which is neutral and non-polar, at codon 609 of the RTEL1 protein (p.Val609Ile). This variant is present in population databases (no rsID available, gnomAD 0.01%). This variant has not been reported in the literature in individuals affected with RTEL1-related conditions. An algorithm developed to predict the effect of missense changes on protein structure and function outputs the following: PolyPhen-2: "Benign". The isoleucine amino acid residue is found in multiple mammalian species, which suggests that this missense change does not adversely affect protein function. In summary, the available evidence is currently insufficient to determine the role of this variant in disease. Therefore, it has been classified as a Variant of Uncertain Significance.

NM_001283009.2(RTEL1):c.1825G>A (p.Val609Ile)

Genes: RTEL1 (regulator of telomere elongation helicase 1; plus strand), RTEL1-TNFRSF6B (RTEL1-TNFRSF6B readthrough (NMD candidate); plus strand). Cytogenetic location: 20q13.33.
Variant type: single nucleotide variant.
Coding change: c.1825G>A on transcript NM_001283009.2 (MANE Select); coding-DNA position 1825, G replaced by A.
Protein change: p.Val609Ile; replaces valine 609 with isoleucine.
Molecular consequence: missense variant. On other transcripts: non-coding transcript variant (1).
Genome position (GRCh38, 1-based): chr20:63,689,079, G>A. VCF-style: chr20-63689079-G-A. GRCh37 (hg19) VCF-style: chr20-62320432-G-A.
Other names: c.1156G>A, p.Val386Ile (NM_001283010.1); c.1825G>A, p.Val609Ile (NM_016434.4); c.1897G>A, p.Val633Ile (NM_032957.5); short protein forms V386I, V633I, V609I.
Identifiers: ClinVar variation 4157598 (VCV004157598.2).
Genomic context (GRCh38, chr20:63,689,079, plus strand): 5'-GGGCTCCAGGCTCAGCCTCACCAACTTTCCTTCCAGACCATCAGTGCTTACTATGCAAGG[G>A]TTGCCGCCCCTGGGTCCACCGGCGCCACCTTCCTGGCGGTCTGCCGGGGCAAGGTGAGCT-3'
Protein context (NP_001269938.1, residues 599-619): SETISAYYAR[Val609Ile]AAPGSTGATF